The following is an entry in ClinVar:

ClinVar aggregate classification (germline): Likely pathogenic (1 of 4 stars; one submission).

Conditions:
PCNT-related disorder. Also called: PCNT-related condition.

gnomAD v4.1: 5 of 1,613,998 alleles (0.00031%); highest among the groups gnomAD compares: Non-Finnish European, 0.00042%; no homozygotes.

Submission:

PreventionGenetics, part of Exact Sciences
Classification: Likely pathogenic for PCNT-related condition. Last evaluated: 2024-11-17. Review status: criteria provided, single submitter. Criteria: ACMG Guidelines, 2015. Collection method: clinical testing. Allele origin: germline.
Comment: The PCNT c.3181G>T variant is predicted to result in premature protein termination (p.Glu1061*). To our knowledge, this variant has not been reported in the literature or in a large population database (gnomAD), indicating this variant is rare. Nonsense variants in PCNT are expected to be pathogenic. This variant is interpreted as likely pathogenic.

NM_006031.6(PCNT):c.3181G>T (p.Glu1061Ter)

Gene: PCNT (pericentrin; plus strand). Cytogenetic location: 21q22.3.
Variant type: single nucleotide variant.
Coding change: c.3181G>T on transcript NM_006031.6 (MANE Select); coding-DNA position 3181, G replaced by T.
Protein change: p.Glu1061Ter; replaces glutamic acid 1061 with a stop codon.
Molecular consequence: nonsense.
Genome position (GRCh38, 1-based): chr21:46,381,709, G>T. VCF-style: chr21-46381709-G-T. GRCh37 (hg19) VCF-style: chr21-47801624-G-T.
Other names: c.2827G>T, p.Glu943Ter (NM_001315529.2); short protein forms E1061*, E943*.
Identifiers: ClinVar variation 4982879 (VCV004982879.1), dbSNP rs1051883293.